The following is an entry in ClinVar:

ClinVar aggregate classification (germline): Pathogenic (1 of 4 stars; one submission).

Submission:

Labcorp Genetics (formerly Invitae), Labcorp
Classification: Pathogenic. Last evaluated: 2025-02-16. Review status: criteria provided, single submitter. Criteria: Invitae Variant Classification Sherloc (09022015). Collection method: clinical testing. Allele origin: germline.
Comment: This sequence change creates a premature translational stop signal (p.Glu242*) in the TFAP2A gene. It is expected to result in an absent or disrupted protein product. Loss-of-function variants in TFAP2A are known to be pathogenic (PMID: 8622766, 20150232, 21204207, 21539471, 21728810). This variant is not present in population databases (gnomAD no frequency). This variant has not been reported in the literature in individuals affected with TFAP2A-related conditions. For these reasons, this variant has been classified as Pathogenic.

Literature cited by the submitters: PubMed 8622766; PubMed 20150232; PubMed 21204207; PubMed 21539471; PubMed 21728810.

NM_001372066.1(TFAP2A):c.730G>T (p.Glu244Ter)

Genes: TFAP2A (transcription factor AP-2 alpha; minus strand), TFAP2A-AS2 (TFAP2A antisense RNA 2; plus strand), LOC121740638 (BRD4-independent group 4 enhancer GRCh37_chr6:10403277-10404476; plus strand). Cytogenetic location: 6p24.3.
Variant type: single nucleotide variant.
Coding change: c.730G>T on transcript NM_001372066.1 (MANE Select); coding-DNA position 730, G replaced by T.
Protein change: p.Glu244Ter; replaces glutamic acid 244 with a stop codon.
Molecular consequence: nonsense. On other transcripts: non-coding transcript variant (1).
Genome position (GRCh38, 1-based): chr6:10,404,548, C>A on the plus strand (G>T on the coding strand, the complement: TFAP2A is on the minus strand). VCF-style: chr6-10404548-C-A. GRCh37 (hg19) VCF-style: chr6-10404781-C-A.
Other names: c.706G>T, p.Glu236Ter (NM_001032280.3); c.712G>T, p.Glu238Ter (NM_001042425.3); short protein forms E236*, E244*, E238*.
Identifiers: ClinVar variation 4713220 (VCV004713220.1).
Genomic context (GRCh38, chr6:10,404,548, plus strand): 5'-GGGGCCGTGCCGGGCCTCACCTCCGGAGCACTCCGCCCAGCAGCGACGCGTTGAGACACT[C>A]GGGTGGTGAGAGCCGCCGCTGCACTTCCGCCACCGTGACCTTGTACTTCGAGGTGGAGCT-3'